The following is an entry in ClinVar:

ClinVar aggregate classification (germline): Pathogenic/Likely pathogenic. Review status: criteria provided, multiple submitters, no conflicts (2 of 4 stars). 2 submissions from 2 submitters: Pathogenic (1); Likely pathogenic (1). Last evaluated 2024-07-23.

Conditions:
CDKL5 disorder. Identifiers: MedGen CN296942, MONDO:0100039.
Developmental and epileptic encephalopathy, 2 (DEE2). Also called: INFANTILE SPASM SYNDROME, X-LINKED 2; CDKL5 deficiency disorder. Identifiers: Orphanet 1934, Orphanet 3451, Orphanet 505652, MedGen C4750718, MONDO:0010396, OMIM 300672.
Angelman syndrome-like. Identifiers: MedGen CN128785.

Submissions (2):

Centre for Population Genomics, CPG
Classification: Likely pathogenic for CDKL5 disorder. Last evaluated: 2024-07-23. Review status: criteria provided, single submitter. Criteria: McKnight et al. (Hum Mutat. 2022). Collection method: curation. Allele origin: germline. Inheritance: X-linked inheritance.
Comment: This variant has been collected from RettBASE and curated to current modified ACMG/AMP criteria. Based on the classification scheme defined by the ClinGen Rett/Angelman-like Expert Panel for Rett/AS-like Disorders Specifications to the ACMG/AMP Variant Interpretation Guidelines VCEP 3.0, this variant is classified as likely pathogenic. At least the following criteria are met: This variant is absent from gnomAD (PM2_Supporting). This variant has been identified as a de novo occurrence in an individual with CDKL5 disorder without confirmation of paternity and maternity (PM6). PMID: 22264704 Computational prediction analysis tools suggests a deleterious impact (REVEL score>= 0.75) (PP3). Has been observed in at least 2 individuals with phenotypes consistent with CDKL5 disorder (PS4_Supporting). PMID 22264704 , Variation ID: 2138479

Labcorp Genetics (formerly Invitae), Labcorp
Classification: Pathogenic for Developmental and epileptic encephalopathy, 2; Angelman syndrome-like. Last evaluated: 2022-08-09. Review status: criteria provided, single submitter. Criteria: Invitae Variant Classification Sherloc (09022015). Collection method: clinical testing. Allele origin: germline.
Comment: This sequence change replaces leucine, which is neutral and non-polar, with proline, which is neutral and non-polar, at codon 271 of the CDKL5 protein (p.Leu271Pro). For these reasons, this variant has been classified as Pathogenic. Advanced modeling of protein sequence and biophysical properties (such as structural, functional, and spatial information, amino acid conservation, physicochemical variation, residue mobility, and thermodynamic stability) performed at Invitae indicates that this missense variant is expected to disrupt CDKL5 protein function. This missense change has been observed in individual(s) with CDKL5-related conditions (PMID: 22264704). In at least one individual the variant was observed to be de novo. This variant is not present in population databases (gnomAD no frequency).

Literature cited by the submitters: PubMed 22264704 (cited by Labcorp Genetics (formerly Invitae), Labcorp).

NM_001323289.2(CDKL5):c.812T>C (p.Leu271Pro)

Gene: CDKL5 (cyclin dependent kinase like 5; plus strand). Cytogenetic location: Xp22.13.
Variant type: single nucleotide variant.
Coding change: c.812T>C on transcript NM_001323289.2 (MANE Select); coding-DNA position 812, T replaced by C.
Protein change: p.Leu271Pro; replaces leucine 271 with proline.
Molecular consequence: missense variant.
Genome position (GRCh38, 1-based): chrX:18,595,415, T>C. VCF-style: chrX-18595415-T-C. GRCh37 (hg19) VCF-style: chrX-18613535-T-C.
Other names: NM_001323289.2(CDKL5):c.812T>C; p.Leu271Pro; c.812T>C, p.Leu271Pro (NM_001037343.2, NM_003159.3); short protein forms L271P.
Identifiers: ClinVar variation 2138479 (VCV002138479.5), dbSNP rs2518864219, ClinGen allele CA412355070.